The following is an entry in ClinVar:

ClinVar aggregate classification (germline): Likely pathogenic (1 of 4 stars; one submission).

Conditions:
Intellectual disability-microcephaly-strabismus-behavioral abnormalities syndrome. Also called: White-Sutton Syndrome. Identifiers: Orphanet 468678, MedGen C4225351, MONDO:0014606, OMIM 616364.

Submission:

Center for Human Genetics and Genomic Medicine, Uniklinik Rwth Aachen
Classification: Likely pathogenic for Intellectual disability-microcephaly-strabismus-behavioral abnormalities syndrome. Last evaluated: 2021-09-03. Review status: criteria provided, single submitter. Criteria: ACMG Guidelines, 2015. Collection method: clinical testing. Allele origin: unknown. Inheritance: Autosomal dominant inheritance. Affected: yes. Observed: 1 heterozygote.
Comment: The detected change leads to a change in the reading frame and thus, in all probability, to a loss of function of the corresponding protein. To the best of our knowledge, it has not yet been reported in the relevant databases (dbSNP151, gnomAD, ClinVar) or in the literature. At this point in time, the variant is to be regarded as a “probably pathogenic variant” (ACMG criteria).

NM_015100.4(POGZ):c.64del (p.Ser22fs)

Gene: POGZ (pogo transposable element derived with ZNF domain; minus strand). Cytogenetic location: 1q21.3.
Variant type: Deletion.
Coding change: c.64del on transcript NM_015100.4 (MANE Select); coding-DNA position 64, one base deleted (A; older notation c.64delA).
Protein change: p.Ser22fs; shifts the reading frame from serine 22.
Molecular consequence: frameshift variant.
Genome position (GRCh38, 1-based): chr1:151,442,141, T deleted on the plus strand (A on the coding strand, the reverse complement: POGZ is on the minus strand). VCF-style (leftmost placement, unchanged base first): chr1-151442140-CT-C. GRCh37 (hg19) VCF-style: chr1-151414616-CT-C.
Other names: c.64del, p.Ser22fs (NM_001194937.2, NM_001194938.2, NM_145796.4 and 1 more transcripts); short protein forms S22fs.
Identifiers: ClinVar variation 1224304 (VCV001224304.3), dbSNP rs2102370816, ClinGen allele CA2499214181.